The following is an entry in ClinVar:

NM_001370466.1(NOD2):c.1421T>C (p.Leu474Pro)

Gene: NOD2 (nucleotide binding oligomerization domain containing 2; plus strand). Cytogenetic location: 16q12.1.
Variant type: single nucleotide variant.
Coding change: c.1421T>C on transcript NM_001370466.1 (MANE Select); coding-DNA position 1421, T replaced by C.
Protein change: p.Leu474Pro; replaces leucine 474 with proline.
Molecular consequence: missense variant. On other transcripts: non-coding transcript variant (1).
Genome position (GRCh38, 1-based): chr16:50,711,413, T>C. VCF-style: chr16-50711413-T-C. GRCh37 (hg19) VCF-style: chr16-50745324-T-C.
Other names: c.1421T>C, p.Leu474Pro (NM_001293557.2); c.1502T>C, p.Leu501Pro (NM_022162.3); short protein forms L474P, L501P.
Identifiers: ClinVar variation 3360439 (VCV003360439.1).
Genomic context (GRCh38, chr16:50,711,413, plus strand): 5'-GTTTGTGCCACCTGCCTGTCTTCTCATGGATGGTGTCCAAATGCCACCAGGAACTGTTGC[T>C]GCAGGAGGGGGGGTCCCCAAAGACCACTACAGATATGTACCTGCTGATTCTGCAGCATTT-3'
Protein context (NP_001357395.1, residues 464-484): MVSKCHQELL[Leu474Pro]QEGGSPKTTT

ClinVar aggregate classification (germline): Uncertain significance (1 of 4 stars; one submission).

Submission:

GeneDx
Classification: Uncertain significance. Last evaluated: 2023-07-09. Review status: criteria provided, single submitter. Criteria: GeneDx Variant Classification Process June 2021. Collection method: clinical testing. Allele origin: germline. Affected: yes.
Comment: Not observed at significant frequency in large population cohorts (gnomAD); In silico analysis supports that this missense variant does not alter protein structure/function; Has not been previously published as pathogenic or benign to our knowledge